The following is an entry in ClinVar:

ClinVar aggregate classification (germline): Likely pathogenic (1 of 4 stars; one submission).

Submission:

Labcorp Genetics (formerly Invitae), Labcorp
Classification: Likely pathogenic. Last evaluated: 2022-07-19. Review status: criteria provided, single submitter. Criteria: Invitae Variant Classification Sherloc (09022015). Collection method: clinical testing. Allele origin: germline.
Comment: In summary, the currently available evidence indicates that the variant is pathogenic, but additional data are needed to prove that conclusively. Therefore, this variant has been classified as Likely Pathogenic. Algorithms developed to predict the effect of sequence changes on RNA splicing suggest that this variant may disrupt the consensus splice site. ClinVar contains an entry for this variant (Variation ID: 1521539). This variant has not been reported in the literature in individuals affected with IMPG2-related conditions. This variant is not present in population databases (gnomAD no frequency). This sequence change affects an acceptor splice site in intron 11 of the IMPG2 gene. It is expected to disrupt RNA splicing. Variants that disrupt the donor or acceptor splice site typically lead to a loss of protein function (PMID: 16199547), and loss-of-function variants in IMPG2 are known to be pathogenic (PMID: 20673862).

Literature cited by the submitters: PubMed 16199547; PubMed 20673862.

NM_016247.4(IMPG2):c.1240-1G>C

Gene: IMPG2 (interphotoreceptor matrix proteoglycan 2; minus strand). Cytogenetic location: 3q12.3.
Variant type: single nucleotide variant.
Coding change: c.1240-1G>C on transcript NM_016247.4 (MANE Select); the canonical splice acceptor site of the intron before coding-DNA position 1240, G replaced by C.
Molecular consequence: splice acceptor variant.
Genome position (GRCh38, 1-based): chr3:101,246,106, C>G on the plus strand (G>C on the coding strand, the complement: IMPG2 is on the minus strand). VCF-style: chr3-101246106-C-G. GRCh37 (hg19) VCF-style: chr3-100964950-C-G.
Identifiers: ClinVar variation 1521539 (VCV001521539.8), dbSNP rs2107222436, ClinGen allele CA353863095.